The following is an entry in ClinVar:

ClinVar aggregate classification (germline): Uncertain significance (1 of 4 stars; one submission).

Allele frequency attached by ClinVar (database versions not stated): gnomAD exomes below 0.00001 and 0.00001.
gnomAD v4.1: 7 of 1,614,016 alleles (0.00043%); highest among the groups gnomAD compares: South Asian, 0.0055%; no homozygotes.

Submission:

Labcorp Genetics (formerly Invitae), Labcorp
Classification: Uncertain significance. Last evaluated: 2022-08-06. Review status: criteria provided, single submitter. Criteria: Invitae Variant Classification Sherloc (09022015). Collection method: clinical testing. Allele origin: germline.
Comment: In summary, the available evidence is currently insufficient to determine the role of this variant in disease. Therefore, it has been classified as a Variant of Uncertain Significance. Algorithms developed to predict the effect of missense changes on protein structure and function output the following: SIFT: "Deleterious"; PolyPhen-2: "Benign"; Align-GVGD: "Class C0". The glutamic acid amino acid residue is found in multiple mammalian species, which suggests that this missense change does not adversely affect protein function. ClinVar contains an entry for this variant (Variation ID: 1413418). This variant has not been reported in the literature in individuals affected with TRPM1-related conditions. This variant is present in population databases (no rsID available, gnomAD 0.006%). This sequence change replaces glycine, which is neutral and non-polar, with glutamic acid, which is acidic and polar, at codon 402 of the TRPM1 protein (p.Gly402Glu).

NM_001252024.2(TRPM1):c.1271G>A (p.Gly424Glu)

Gene: TRPM1 (transient receptor potential cation channel subfamily M member 1; minus strand). Cytogenetic location: 15q13.3.
Variant type: single nucleotide variant.
Coding change: c.1271G>A on transcript NM_001252024.2 (MANE Select); coding-DNA position 1271, G replaced by A.
Protein change: p.Gly424Glu; replaces glycine 424 with glutamic acid.
Molecular consequence: missense variant.
Genome position (GRCh38, 1-based): chr15:31,050,575, C>T on the plus strand (G>A on the coding strand, the complement: TRPM1 is on the minus strand). VCF-style: chr15-31050575-C-T. GRCh37 (hg19) VCF-style: chr15-31342778-C-T.
Other names: c.1322G>A, p.Gly441Glu (NM_001252020.2); c.1205G>A, p.Gly402Glu (NM_002420.6); short protein forms G402E, G441E, G424E.
Identifiers: ClinVar variation 1413418 (VCV001413418.6), dbSNP rs1183287038, ClinGen allele CA391518670.
Genomic context (GRCh38, chr15:31,050,575, plus strand): 5'-GCCATGGGTGGCTTCTTCTCCTTCTCCGTGGCTTTGCTGTCCGTCGGGGGTGCCAGGCTT[C>T]CCAGGGGCTGCAGTCCACAGCAATCAGAGTTGGGAAATGGTACTAAGGCTCTTTCTTGTC-3'
Protein context (NP_001238953.1, residues 414-434): FVFGPHWPPL[Gly424Glu]SLAPPTDSKA